The following is an entry in ClinVar:

NM_001378418.1(TCF20):c.4272G>T (p.Leu1424Phe)

Gene: TCF20 (transcription factor 20; minus strand). Cytogenetic location: 22q13.2.
Variant type: single nucleotide variant.
Coding change: c.4272G>T on transcript NM_001378418.1 (MANE Select); coding-DNA position 4272, G replaced by T.
Protein change: p.Leu1424Phe; replaces leucine 1424 with phenylalanine.
Molecular consequence: missense variant.
Genome position (GRCh38, 1-based): chr22:42,211,034, C>A on the plus strand (G>T on the coding strand, the complement: TCF20 is on the minus strand). VCF-style: chr22-42211034-C-A. GRCh37 (hg19) VCF-style: chr22-42607040-C-A.
Other names: c.4272G>T, p.Leu1424Phe (NM_005650.4, NM_181492.3); c.4272G>T (NM_005650.1); short protein forms L1424F.
Identifiers: ClinVar variation 2894279 (VCV002894279.4), dbSNP rs1262297897, ClinGen allele CA411784680.

ClinVar aggregate classification (germline): Uncertain significance. Review status: criteria provided, multiple submitters, no conflicts (2 of 4 stars). 2 submissions from 2 submitters: Uncertain significance (2). Last evaluated 2024-01-24.

Conditions:
Inborn genetic diseases. Identifiers: MedGen C0950123, MeSH D030342.

Allele frequency attached by ClinVar (database versions not stated): TOPMed below 0.00001; gnomAD 0.00001; gnomAD exomes 0.00004.
gnomAD v4.1: 63 of 1,614,032 alleles (0.0039%); highest among the groups gnomAD compares: Non-Finnish European, 0.005%; no homozygotes.

Submissions (2):

Ambry Genetics
Classification: Uncertain significance for Inborn genetic diseases. Last evaluated: 2024-01-24. Review status: criteria provided, single submitter. Criteria: Ambry Variant Classification Scheme 2023. Collection method: clinical testing. Allele origin: germline.

Labcorp Genetics (formerly Invitae), Labcorp
Classification: Uncertain significance. Last evaluated: 2023-04-24. Review status: criteria provided, single submitter. Criteria: Invitae Variant Classification Sherloc (09022015). Collection method: clinical testing. Allele origin: germline.
Comment: This sequence change replaces leucine, which is neutral and non-polar, with phenylalanine, which is neutral and non-polar, at codon 1424 of the TCF20 protein (p.Leu1424Phe). This variant is present in population databases (no rsID available, gnomAD 0.002%). This variant has not been reported in the literature in individuals affected with TCF20-related conditions. An algorithm developed to predict the effect of missense changes on protein structure and function (PolyPhen-2) suggests that this variant is likely to be tolerated. In summary, the available evidence is currently insufficient to determine the role of this variant in disease. Therefore, it has been classified as a Variant of Uncertain Significance.